The following is an entry in ClinVar:

ClinVar aggregate classification (germline): Uncertain significance. Review status: criteria provided, multiple submitters, no conflicts (2 of 4 stars). 2 submissions from 2 submitters: Uncertain significance (2). Last evaluated 2018-10-31.

Conditions:
Autosomal dominant nocturnal frontal lobe epilepsy 1. Also called: CHRNA4-Related Nocturnal Frontal Lobe Epilepsy, Autosomal Dominant; EPILEPSY, NOCTURNAL FRONTAL LOBE, TYPE 1. Identifiers: Orphanet 98784, MedGen C1838049, MONDO:0010899, OMIM 600513.
Tobacco addiction, susceptibility to. Also called: CIGARETTE HABITUATION, SUSCEPTIBILITY TO. Identifiers: MedGen C1861063, MONDO:0100460, OMIM 188890.

Allele frequency attached by ClinVar (database versions not stated): TOPMed below 0.00001.

Submissions (2):

Fulgent Genetics
Classification: Uncertain significance for Tobacco addiction, susceptibility to; Autosomal dominant nocturnal frontal lobe epilepsy 1. Last evaluated: 2018-10-31. Review status: criteria provided, single submitter. Criteria: ACMG Guidelines, 2015. Collection method: clinical testing. Allele origin: unknown.

GeneDx
Classification: Uncertain significance. Last evaluated: 2016-08-10. Review status: criteria provided, single submitter. Criteria: GeneDx Variant Classification (06012015). Collection method: clinical testing. Allele origin: germline. Affected: yes.
Comment: A variant of uncertain significance has been identified in the CHRNA4 gene. The I598V variant has not been published as a pathogenic variant, nor has it been reported as a benign variant to our knowledge. It was not observed in approximately 6,500 individuals of European and African American ancestry in the NHLBI Exome Sequencing Project, indicating it is not a common benign variant in these populations. This substitution occurs at a position that is conserved across species. However, the I598V variant is a conservative amino acid substitution, which is not likely to impact secondary protein structure as these residues share similar properties, and in silico analysis is inconsistent in its predictions as to whether or not the variant is damaging to the protein structure/function. Additionally, this amino acid substitution is not predicted to occur within the transmembrane region of the protein, where the vast majority of pathogenic missense variants have been identified in association with epilepsy (Steinlein et al., 2010). Therefore, based on the currently available information, it is unclear whether this variant is a pathogenic variant or a rare benign variant.

NM_000744.7(CHRNA4):c.1792A>G (p.Ile598Val)

Gene: CHRNA4 (cholinergic receptor nicotinic alpha 4 subunit; minus strand). Cytogenetic location: 20q13.33.
Variant type: single nucleotide variant.
Coding change: c.1792A>G on transcript NM_000744.7 (MANE Select); coding-DNA position 1792, A replaced by G.
Protein change: p.Ile598Val; replaces isoleucine 598 with valine.
Molecular consequence: missense variant. On other transcripts: non-coding transcript variant (1).
Genome position (GRCh38, 1-based): chr20:63,346,830, T>C on the plus strand (A>G on the coding strand, the complement: CHRNA4 is on the minus strand). VCF-style: chr20-63346830-T-C. GRCh37 (hg19) VCF-style: chr20-61978182-T-C.
Other names: c.1264A>G, p.Ile422Val (NM_001256573.2); short protein forms I598V, I422V.
Identifiers: ClinVar variation 420395 (VCV000420395.3), dbSNP rs1019612389, ClinGen allele CA16620947.